The following is an entry in ClinVar:

ClinVar aggregate classification (germline): Pathogenic. Review status: criteria provided, multiple submitters, no conflicts (2 of 4 stars). 2 submissions from 2 submitters: Pathogenic (2). Last evaluated 2025-12-22.

Conditions:
Autosomal recessive spinocerebellar ataxia 10. Identifiers: Orphanet 284289, MedGen C3150998, MONDO:0013392, OMIM 613728.

Submissions (2):

Myriad Genetics, Inc.
Classification: Pathogenic for Autosomal recessive spinocerebellar ataxia 10. Last evaluated: 2025-12-22. Review status: criteria provided, single submitter. Criteria: Myriad Autosomal Dominant, Autosomal Recessive and X-Linked Classification Criteria (2023). Collection method: clinical testing. Allele origin: unknown.
Comment: NM_018075.3(ANO10):c.269_270delAA(K90Rfs*4) is a frameshift variant classified as pathogenic in the context of spinocerebellar ataxia, ANO10-related. K90Rfs*4 has been observed in a case with relevant disease (PMID: 37152446). Relevant functional assessments of this variant are not available in the literature. K90Rfs*4 has been observed in referenced population frequency databases. In summary, NM_018075.3(ANO10):c.269_270delAA(K90Rfs*4) is a frameshift variant in a gene where loss of function is a known mechanism of disease, is predicted to disrupt protein function, and has been observed more frequently in cases with the relevant disease than in healthy populations. Please note: this variant was assessed in the context of healthy population screening.

Labcorp Genetics (formerly Invitae), Labcorp
Classification: Pathogenic. Last evaluated: 2023-01-21. Review status: criteria provided, single submitter. Criteria: Invitae Variant Classification Sherloc (09022015). Collection method: clinical testing. Allele origin: germline.
Comment: For these reasons, this variant has been classified as Pathogenic. This sequence change creates a premature translational stop signal (p.Lys90Argfs*4) in the ANO10 gene. It is expected to result in an absent or disrupted protein product. Loss-of-function variants in ANO10 are known to be pathogenic (PMID: 25089919). This variant is present in population databases (rs775536114, gnomAD 0.002%). This variant has not been reported in the literature in individuals affected with ANO10-related conditions. Algorithms developed to predict the effect of sequence changes on RNA splicing suggest that this variant may disrupt the consensus splice site.

Literature cited by the submitters: PubMed 37152446 (cited by Myriad Genetics, Inc.); PubMed 25089919 (cited by Labcorp Genetics (formerly Invitae), Labcorp).

NM_018075.5(ANO10):c.269_270del (p.Lys90fs)

Gene: ANO10 (anoctamin 10; minus strand). Cytogenetic location: 3p21.33.
Variant type: Deletion.
Coding change: c.269_270del on transcript NM_018075.5 (MANE Select); coding-DNA positions 269 to 270, 2 bases deleted (AA; older notation c.269_270delAA).
Protein change: p.Lys90fs; shifts the reading frame from lysine 90.
Molecular consequence: frameshift variant. On other transcripts: intron variant (4).
Genome position (GRCh38, 1-based): chr3:43,600,451-43,600,452, TT deleted on the plus strand (AA on the coding strand, the reverse complement: ANO10 is on the minus strand); deleting any 2 consecutive bases within chr3:43,600,451-43,600,454 gives the same sequence; the c. name uses the placement nearest the transcript's 3' end. VCF-style (leftmost placement, unchanged base first): chr3-43600450-CTT-C. GRCh37 (hg19) VCF-style: chr3-43641942-CTT-C.
Other names: c.269_270del, p.Lys90fs (NM_001204831.3, NM_001204834.3, NM_001346463.2 and 4 more transcripts); c.140-1786_140-1785del (NM_001346469.2, NM_001204832.3, NM_001346466.2); c.139+5262_139+5263del (NM_001204833.3); short protein forms K90fs.
Identifiers: ClinVar variation 2830725 (VCV002830725.4), dbSNP rs775536114, ClinGen allele CA2341101.